The following is an entry in ClinVar:

NM_005591.4(MRE11):c.1154T>C (p.Phe385Ser)

Gene: MRE11 (MRE11 double strand break repair nuclease; minus strand). Cytogenetic location: 11q21.
Variant type: single nucleotide variant.
Coding change: c.1154T>C on transcript NM_005591.4 (MANE Select); coding-DNA position 1154, T replaced by C.
Protein change: p.Phe385Ser; replaces phenylalanine 385 with serine.
Molecular consequence: missense variant.
Genome position (GRCh38, 1-based): chr11:94,464,184, A>G on the plus strand (T>C on the coding strand, the complement: MRE11 is on the minus strand). VCF-style: chr11-94464184-A-G. GRCh37 (hg19) VCF-style: chr11-94197350-A-G.
Other names: c.1154T>C, p.Phe385Ser (NM_001330347.2, NM_005590.4); short protein forms F385S.
Identifiers: ClinVar variation 184955 (VCV000184955.7), dbSNP rs786201817, ClinGen allele CA190577.

ClinVar aggregate classification (germline): Uncertain significance. Review status: criteria provided, multiple submitters, no conflicts (2 of 4 stars). 2 submissions from 2 submitters: Uncertain significance (2). Last evaluated 2025-06-10.

Conditions:
Hereditary cancer-predisposing syndrome. Also called: Hereditary neoplastic syndrome; Neoplastic Syndromes, Hereditary; Tumor predisposition; Hereditary Cancer Syndrome. Identifiers: Orphanet 140162, MedGen C0027672, MeSH D009386, MONDO:0015356.

Allele frequency attached by ClinVar (database versions not stated): gnomAD exomes below 0.00001; gnomAD 0.00001; TOPMed 0.00002.
gnomAD v4.1: 6 of 1,613,866 alleles (0.00037%); highest among the groups gnomAD compares: African/African-American, 0.0013%; no homozygotes.

Submissions (2):

Ambry Genetics
Classification: Uncertain significance for Hereditary cancer-predisposing syndrome. Last evaluated: 2025-06-10. Review status: criteria provided, single submitter. Criteria: Ambry Variant Classification Scheme 2023. Collection method: clinical testing. Allele origin: germline.
Comment: The p.F385S variant (also known as c.1154T>C), located in coding exon 10 of the MRE11A gene, results from a T to C substitution at nucleotide position 1154. The phenylalanine at codon 385 is replaced by serine, an amino acid with highly dissimilar properties. This amino acid position is well conserved in available vertebrate species. In addition, this alteration is predicted to be deleterious by in silico analysis. Since supporting evidence is limited at this time, the clinical significance of this alteration remains unclear.

Athena Diagnostics
Classification: Uncertain significance. Last evaluated: 2023-03-22. Review status: criteria provided, single submitter. Criteria: Athena Diagnostics Criteria. Collection method: clinical testing. Allele origin: unknown.
Comment: Available data are insufficient to determine the clinical significance of the variant at this time. The frequency of this variant in the general population is uninformative in assessment of its pathogenicity. Computational tools disagree on the variant's effect on normal protein function.